The following is an entry in ClinVar:

NM_001144967.3(NEDD4L):c.1576-44A>G

Gene: NEDD4L (NEDD4 like E3 ubiquitin protein ligase; plus strand). Cytogenetic location: 18q21.31.
Variant type: single nucleotide variant.
Coding change: c.1576-44A>G on transcript NM_001144967.3 (MANE Select); 44 bases into the intron before coding-DNA position 1576, A replaced by G.
Molecular consequence: intron variant.
Genome position (GRCh38, 1-based): chr18:58,349,493, A>G. VCF-style: chr18-58349493-A-G. GRCh37 (hg19) VCF-style: chr18-56016725-A-G.
Other names: c.1516-44A>G (NM_015277.6); c.1384-44A>G (NM_001243960.2); c.1213-44A>G (NM_001144964.1, NM_001144965.2, NM_001144966.3); c.1153-44A>G (NM_001144971.2, NM_001144970.3); c.1552-44A>G (NM_001144968.2); c.1492-44A>G (NM_001144969.2); c.2413-44A>G (NM_001437337.1).
Identifiers: ClinVar variation 4292007 (VCV004292007.1).
Genomic context (GRCh38, chr18:58,349,493, plus strand): 5'-CAGCCTGGTTGCCTTGAAACAAACAGCTCAAGAAGAAAAGCACCCAGTAACTGCACACAG[A>G]TACTTCCACTTAGCATCTACTGTCTTTTACATTTTTCTTGCAGGAAGATCCACGTTTGAA-3'

ClinVar aggregate classification (germline): Uncertain significance (1 of 4 stars; one submission).

Conditions:
Periventricular nodular heterotopia 7 (PVNH7). Identifiers: MedGen C4310669, MONDO:0014966, OMIM 617201.

Submission:

3billion
Classification: Uncertain significance for Periventricular nodular heterotopia 7. Last evaluated: 2024-09-12. Review status: criteria provided, single submitter. Criteria: ACMG Guidelines, 2015. Collection method: clinical testing. Allele origin: germline. Affected: yes.
Comment: The variant is not observed in the gnomAD v4.0.0 dataset. Predicted Consequence/Location: Intron variant. However, while the contribution of loss-of-function variants in NEDD4L to Periventricular nodular heterotopia 7 is incompletely understood, hgh pLI score orpreviously reportedloss-of-function variants in patients provide evidence supporting these variants as a mechanism of disease. In silico tools predict the variant to alter splicing and produce an abnormal transcript [SpliceAI: 0.75 (>=0.2, moderate evidence for spliceogenicity)]. Intron variant. However, while the contribution of loss-of-function variants in NEDD4L to Periventricular nodular heterotopia 7 is incompletely understood, hgh pLI score orpreviously reportedloss-of-function variants in patients provide evidence supporting these variants as a mechanism of disease. Therefore, this variant is classified as VUS according to the recommendation of ACMG/AMP guideline.